The following is an entry in ClinVar:

NM_005219.5(DIAPH1):c.1535A>G (p.Lys512Arg)

Gene: DIAPH1 (diaphanous related formin 1; minus strand). Cytogenetic location: 5q31.3.
Variant type: single nucleotide variant.
Coding change: c.1535A>G on transcript NM_005219.5 (MANE Select); coding-DNA position 1535, A replaced by G.
Protein change: p.Lys512Arg; replaces lysine 512 with arginine.
Molecular consequence: missense variant.
Genome position (GRCh38, 1-based): chr5:141,575,073, T>C on the plus strand (A>G on the coding strand, the complement: DIAPH1 is on the minus strand). VCF-style: chr5-141575073-T-C. GRCh37 (hg19) VCF-style: chr5-140954640-T-C.
Other names: c.1508A>G, p.Lys503Arg (NM_001079812.3); c.1535A>G, p.Lys512Arg (NM_001314007.2); short protein forms K503R, K512R.
Identifiers: ClinVar variation 2943645 (VCV002943645.3), dbSNP rs771508390, ClinGen allele CA3479266.

ClinVar aggregate classification (germline): Uncertain significance (1 of 4 stars; one submission).

Conditions:
Progressive microcephaly-seizures-cortical blindness-developmental delay syndrome. Also called: Seizures, cortical blindness, and microcephaly syndrome. Identifiers: Orphanet 477814, MedGen C5567650, MONDO:0014714, OMIM 616632.
Autosomal dominant nonsyndromic hearing loss 1. Also called: KONIGSMARK SYNDROME; DEAFNESS, AUTOSOMAL DOMINANT 1, WITH OR WITHOUT THROMBOCYTOPENIA. Identifiers: Orphanet 90635, MedGen C1852282, MONDO:0007424, OMIM 124900.

Allele frequency attached by ClinVar (database versions not stated): ExAC 0.00001; gnomAD 0.00001; TOPMed 0.00001.
gnomAD v4.1: 2 of 1,614,128 alleles (0.00012%); highest among the groups gnomAD compares: Non-Finnish European, 0.00017%; no homozygotes.

Submission:

Labcorp Genetics (formerly Invitae), Labcorp
Classification: Uncertain significance for Progressive microcephaly-seizures-cortical blindness-developmental delay syndrome; Autosomal dominant nonsyndromic hearing loss 1. Last evaluated: 2023-01-26. Review status: criteria provided, single submitter. Criteria: Invitae Variant Classification Sherloc (09022015). Collection method: clinical testing. Allele origin: germline.
Comment: In summary, the available evidence is currently insufficient to determine the role of this variant in disease. Therefore, it has been classified as a Variant of Uncertain Significance. Algorithms developed to predict the effect of missense changes on protein structure and function are either unavailable or do not agree on the potential impact of this missense change (SIFT: "Deleterious"; PolyPhen-2: "Not Available"; Align-GVGD: "Class C0"). This variant has not been reported in the literature in individuals affected with DIAPH1-related conditions. This variant is present in population databases (rs771508390, gnomAD 0.0009%). This sequence change replaces lysine, which is basic and polar, with arginine, which is basic and polar, at codon 512 of the DIAPH1 protein (p.Lys512Arg).